The following is an entry in ClinVar:

ClinVar aggregate classification (germline): Likely benign. Review status: criteria provided, multiple submitters, no conflicts (2 of 4 stars). 3 submissions from 3 submitters: Likely benign (3). Last evaluated 2026-01-11.

Conditions:
ADGRV1-related disorder. Also called: ADGRV1-related condition; ADGRV1-related disorders.

Allele frequency attached by ClinVar (database versions not stated): gnomAD 0.00003 and 0.00004; gnomAD exomes 0.00004 and 0.00007; TOPMed 0.00005; ExAC 0.00007; ESP Exome Variant Server 0.00008.
gnomAD v4.1: 66 of 1,612,210 alleles (0.0041%); highest among the groups gnomAD compares: East Asian, 0.022%; no homozygotes.

Submissions (3):

Labcorp Genetics (formerly Invitae), Labcorp
Classification: Likely benign. Last evaluated: 2026-01-11. Review status: criteria provided, single submitter. Criteria: Invitae Variant Classification Sherloc (09022015). Collection method: clinical testing. Allele origin: germline.

PreventionGenetics, part of Exact Sciences
Classification: Likely benign for ADGRV1-related condition. Last evaluated: 2024-12-04. Review status: criteria provided, single submitter. Criteria: ACMG Guidelines, 2015. Collection method: clinical testing. Allele origin: germline.
Comment: This variant is classified as likely benign based on ACMG/AMP sequence variant interpretation guidelines (Richards et al. 2015 PMID: 25741868, with internal and published modifications).

Blueprint Genetics
Classification: Likely benign. Last evaluated: 2024-09-18. Review status: criteria provided, single submitter. Criteria: ACMG Guidelines, 2015. Collection method: clinical testing. Allele origin: germline.

NM_032119.4(ADGRV1):c.14856C>T (p.His4952=)

Gene: ADGRV1 (adhesion G protein-coupled receptor V1; plus strand). Cytogenetic location: 5q14.3.
Variant type: single nucleotide variant.
Coding change: c.14856C>T on transcript NM_032119.4 (MANE Select); coding-DNA position 14856, C replaced by T.
Protein change: p.His4952=; no amino-acid change (histidine 4952 retained).
Molecular consequence: synonymous variant. On other transcripts: non-coding transcript variant (1).
Genome position (GRCh38, 1-based): chr5:90,807,621, C>T. VCF-style: chr5-90807621-C-T. GRCh37 (hg19) VCF-style: chr5-90103438-C-T.
Identifiers: ClinVar variation 750748 (VCV000750748.10), dbSNP rs369321754, ClinGen allele CA3341824.